The following is an entry in ClinVar:

NC_000009.11:g.(?_140917443)_(141016451_?)dup

Gene: CACNA1B (calcium voltage-gated channel subunit alpha1 B; plus strand). Cytogenetic location: 9q34.3.
Variant type: Duplication.
Identifiers: ClinVar variation 2423360 (VCV002423360.3).

ClinVar aggregate classification (germline): Uncertain significance (1 of 4 stars; one submission).

Submission:

Labcorp Genetics (formerly Invitae), Labcorp
Classification: Uncertain significance. Last evaluated: 2022-09-01. Review status: criteria provided, single submitter. Criteria: Invitae Variant Classification Sherloc (09022015). Collection method: clinical testing. Allele origin: germline.
Comment: This variant results in a copy number gain of the genomic region encompassing exon(s) 19-47 of the CACNA1B gene. This region includes the termination codon of the gene. This copy number gain extends beyond the assayed region for this gene and therefore may encompass additional genes. As the precise location of this event is unknown, it may be in tandem or it may be located elsewhere in the genome. This variant has not been reported in the literature in individuals affected with CACNA1B-related conditions. In summary, the available evidence is currently insufficient to determine the role of this variant in disease. Therefore, it has been classified as a Variant of Uncertain Significance.